The following is an entry in ClinVar:

NM_032273.4(TMEM126A):c.13A>G (p.Lys5Glu)

Gene: TMEM126A (transmembrane protein 126A; plus strand). Cytogenetic location: 11q14.1.
Variant type: single nucleotide variant.
Coding change: c.13A>G on transcript NM_032273.4 (MANE Select); coding-DNA position 13, A replaced by G.
Protein change: p.Lys5Glu; replaces lysine 5 with glutamic acid.
Molecular consequence: missense variant. On other transcripts: intron variant (1).
Genome position (GRCh38, 1-based): chr11:85,650,268, A>G. VCF-style: chr11-85650268-A-G. GRCh37 (hg19) VCF-style: chr11-85361312-A-G.
Other names: c.-125+2179A>G (NM_001244735.2); short protein forms K5E.
Identifiers: ClinVar variation 1492074 (VCV001492074.6), dbSNP rs2153312352, ClinGen allele CA381994650.

ClinVar aggregate classification (germline): Uncertain significance (1 of 4 stars; one submission).

gnomAD v4.1: 1 of 1,593,680 alleles (0.000063%); highest among the groups gnomAD compares: Non-Finnish European, 0.000086%; no homozygotes.

Submission:

Labcorp Genetics (formerly Invitae), Labcorp
Classification: Uncertain significance. Last evaluated: 2021-12-03. Review status: criteria provided, single submitter. Criteria: Invitae Variant Classification Sherloc (09022015). Collection method: clinical testing. Allele origin: germline.
Comment: This sequence change replaces lysine, which is basic and polar, with glutamic acid, which is acidic and polar, at codon 5 of the TMEM126A protein (p.Lys5Glu). In summary, the available evidence is currently insufficient to determine the role of this variant in disease. Therefore, it has been classified as a Variant of Uncertain Significance. Algorithms developed to predict the effect of missense changes on protein structure and function output the following: SIFT: "Tolerated"; PolyPhen-2: "Benign"; Align-GVGD: "Class C0". The glutamic acid amino acid residue is found in multiple mammalian species, which suggests that this missense change does not adversely affect protein function. This variant has not been reported in the literature in individuals affected with TMEM126A-related conditions. This variant is not present in population databases (gnomAD no frequency).